The following is an entry in ClinVar:

NM_001037333.3(CYFIP2):c.3584T>A (p.Ile1195Asn)

Genes: CYFIP2 (cytoplasmic FMR1 interacting protein 2; plus strand), NIPAL4-DT (NIPAL4 divergent transcript; minus strand), LOC126807569 (P300/CBP strongly-dependent group 1 enhancer GRCh37_chr5:156817055-156818254; plus strand). Cytogenetic location: 5q33.3.
Variant type: single nucleotide variant.
Coding change: c.3584T>A on transcript NM_001037333.3 (MANE Select); coding-DNA position 3584, T replaced by A.
Protein change: p.Ile1195Asn; replaces isoleucine 1195 with asparagine.
Molecular consequence: missense variant.
Genome position (GRCh38, 1-based): chr5:157,390,658, T>A. VCF-style: chr5-157390658-T-A. GRCh37 (hg19) VCF-style: chr5-156817666-T-A.
Other names: c.3506T>A, p.Ile1169Asn (NM_001291721.2); c.3659T>A, p.Ile1220Asn (NM_001291722.2); c.3584T>A, p.Ile1195Asn (NM_014376.4); short protein forms I1169N, I1195N, I1220N.
Identifiers: ClinVar variation 2818613 (VCV002818613.3), dbSNP rs2532745773, ClinGen allele CA361983150.

ClinVar aggregate classification (germline): Uncertain significance (1 of 4 stars; one submission).

Submission:

Labcorp Genetics (formerly Invitae), Labcorp
Classification: Uncertain significance. Last evaluated: 2022-12-04. Review status: criteria provided, single submitter. Criteria: Invitae Variant Classification Sherloc (09022015). Collection method: clinical testing. Allele origin: germline.
Comment: In summary, the available evidence is currently insufficient to determine the role of this variant in disease. Therefore, it has been classified as a Variant of Uncertain Significance. This variant has not been reported in the literature in individuals affected with CYFIP2-related conditions. This sequence change replaces isoleucine, which is neutral and non-polar, with asparagine, which is neutral and polar, at codon 1195 of the CYFIP2 protein (p.Ile1195Asn). This variant is not present in population databases (gnomAD no frequency). Algorithms developed to predict the effect of missense changes on protein structure and function are either unavailable or do not agree on the potential impact of this missense change (SIFT: "Deleterious"; PolyPhen-2: "Not Available"; Align-GVGD: "Class C45").